The following is an entry in ClinVar:

ClinVar aggregate classification (germline): Uncertain significance (1 of 4 stars; one submission).

Conditions:
Agammaglobulinemia 7, autosomal recessive (AGM7). Also called: AGAMMAGLOBULINEMIA, AUTOSOMAL RECESSIVE, DUE TO PIK3R1 DEFECT. Identifiers: MedGen C3554689, MONDO:0014083, OMIM 615214.
Immunodeficiency 36 with lymphoproliferation. Also called: Immunodeficiency 36; ACTIVATED PI3K-DELTA SYNDROME 2; Activated PI3K Delta Syndrome Type 2 (APDS2). Identifiers: Orphanet 397596, Orphanet 693681, MedGen C4014934, MONDO:0014453, OMIM 616005.
SHORT syndrome. Also called: SHORT STATURE, HYPEREXTENSIBILITY, HERNIA, OCULAR DEPRESSION, RIEGER ANOMALY, AND TEETHING DELAY; LIPODYSTROPHY, PARTIAL, WITH RIEGER ANOMALY AND SHORT STATURE; PIK3R1-Related SHORT Syndrome. Identifiers: Orphanet 3163, MedGen C0878684, MONDO:0010026, OMIM 269880.

Submission:

Labcorp Genetics (formerly Invitae), Labcorp
Classification: Uncertain significance for SHORT syndrome; Immunodeficiency 36 with lymphoproliferation; Agammaglobulinemia 7, autosomal recessive. Last evaluated: 2024-12-19. Review status: criteria provided, single submitter. Criteria: Invitae Variant Classification Sherloc (09022015). Collection method: clinical testing. Allele origin: germline.
Comment: This sequence change creates a premature translational stop signal (p.His618Ilefs*44) in the PIK3R1 gene. While this is not anticipated to result in nonsense mediated decay, it is expected to disrupt the last 107 amino acid(s) of the PIK3R1 protein. This variant is not present in population databases (gnomAD no frequency). This variant has not been reported in the literature in individuals affected with PIK3R1-related conditions. Experimental studies and prediction algorithms are not available or were not evaluated, and the functional significance of this variant is currently unknown. In summary, the available evidence is currently insufficient to determine the role of this variant in disease. Therefore, it has been classified as a Variant of Uncertain Significance.

NM_181523.3(PIK3R1):c.1852del (p.His618fs)

Gene: PIK3R1 (phosphoinositide-3-kinase regulatory subunit 1; plus strand). Cytogenetic location: 5q13.1.
Variant type: Deletion.
Coding change: c.1852del on transcript NM_181523.3 (MANE Select); coding-DNA position 1852, one base deleted (C; older notation c.1852delC).
Protein change: p.His618fs; shifts the reading frame from histidine 618.
Molecular consequence: frameshift variant.
Genome position (GRCh38, 1-based): chr5:68,296,208, C deleted; the last of 4 consecutive C bases (chr5:68,296,205-68,296,208); deleting any one gives the same sequence. VCF-style (leftmost placement, unchanged base first): chr5-68296204-GC-G. GRCh37 (hg19) VCF-style: chr5-67592032-GC-G.
Other names: c.763del, p.His255fs (NM_001242466.2); c.1042del, p.His348fs (NM_181504.4); c.952del, p.His318fs (NM_181524.2); short protein forms H255fs, H318fs, H348fs, H618fs.
Identifiers: ClinVar variation 3760109 (VCV003760109.2).